The following is an entry in ClinVar:

ClinVar aggregate classification (germline): Likely benign (1 of 4 stars; one submission).

Allele frequency attached by ClinVar (database versions not stated): gnomAD exomes 0.00033; gnomAD 0.00384; 1000 Genomes Project 0.00439; TOPMed 0.00444.
gnomAD v4.1: 919 of 1,111,122 alleles (0.083%); highest among the groups gnomAD compares: African/African-American, 1.3%; 7 homozygotes.

Submission:

GeneDx
Classification: Likely benign. Last evaluated: 2021-06-18. Review status: criteria provided, single submitter. Criteria: GeneDx Variant Classification Process June 2021. Collection method: clinical testing. Allele origin: germline. Affected: yes.
Comment: See Variant Classification Assertion Criteria.

NM_005202.4(COL8A2):c.*90C>A

Gene: COL8A2 (collagen type VIII alpha 2 chain; minus strand). Cytogenetic location: 1p34.3.
Variant type: single nucleotide variant.
Coding change: c.*90C>A on transcript NM_005202.4 (MANE Select); 90 bases downstream of the stop codon, C replaced by A.
Molecular consequence: 3 prime UTR variant.
Genome position (GRCh38, 1-based): chr1:36,097,479, G>T on the plus strand (C>A on the coding strand, the complement: COL8A2 is on the minus strand). VCF-style: chr1-36097479-G-T. GRCh37 (hg19) VCF-style: chr1-36563080-G-T.
Other names: c.*90C>A (NM_001294347.2).
Identifiers: ClinVar variation 2497929 (VCV002497929.1), dbSNP rs555076209, ClinGen allele CA20703781.